The following is an entry in ClinVar:

NM_183357.3(ADCY5):c.2641G>A (p.Val881Met)

Gene: ADCY5 (adenylate cyclase 5; minus strand). Cytogenetic location: 3q21.1.
Variant type: single nucleotide variant.
Coding change: c.2641G>A on transcript NM_183357.3 (MANE Select); coding-DNA position 2641, G replaced by A.
Protein change: p.Val881Met; replaces valine 881 with methionine.
Molecular consequence: missense variant.
Genome position (GRCh38, 1-based): chr3:123,303,138, C>T on the plus strand (G>A on the coding strand, the complement: ADCY5 is on the minus strand). VCF-style: chr3-123303138-C-T. GRCh37 (hg19) VCF-style: chr3-123021985-C-T.
Other names: c.1591G>A, p.Val531Met (NM_001199642.1); c.2641G>A, p.Val881Met (NM_001378259.1); short protein forms V531M, V881M.
Identifiers: ClinVar variation 2654077 (VCV002654077.24), dbSNP rs758708718, ClinGen allele CA2577040.
Genomic context (GRCh38, chr3:123,303,138, plus strand): 5'-AGGGGCTGCCACAGAAGCCCTGCTCATCGCCCAGGCTGTAGTTGACGGCCGACTCCGCCA[C>T]GTGACACGCGTTGACCTGGCTCGCGCTGATGTTGTGCTCCTGTGCCAAGCAGCCCAGCAG-3'
Protein context (NP_899200.1, residues 871-891): ISASQVNACH[Val881Met]AESAVNYSLG

ClinVar aggregate classification (germline): Uncertain significance (1 of 4 stars; one submission).

Allele frequency attached by ClinVar (database versions not stated): TOPMed below 0.00001; ExAC 0.00002.
gnomAD v4.1: 18 of 1,613,760 alleles (0.0011%); highest among the groups gnomAD compares: Middle Eastern, 0.016%; no homozygotes.

Submission:

CeGaT Center for Human Genetics Tuebingen
Classification: Uncertain significance. Last evaluated: 2023-05-01. Review status: criteria provided, single submitter. Criteria: CeGaT Center For Human Genetics Tuebingen Variant Classification Criteria Version 2. Collection method: clinical testing. Allele origin: germline. Affected: yes. Observed: 1 variant allele.
Comment: ADCY5: PP2, BP4